The following is an entry in ClinVar:

NM_199420.4(POLQ):c.2351G>A (p.Arg784His)

Gene: POLQ (DNA polymerase theta; minus strand). Cytogenetic location: 3q13.33.
Variant type: single nucleotide variant.
Coding change: c.2351G>A on transcript NM_199420.4 (MANE Select); coding-DNA position 2351, G replaced by A.
Protein change: p.Arg784His; replaces arginine 784 with histidine.
Molecular consequence: missense variant.
Genome position (GRCh38, 1-based): chr3:121,493,649, C>T on the plus strand (G>A on the coding strand, the complement: POLQ is on the minus strand). VCF-style: chr3-121493649-C-T. GRCh37 (hg19) VCF-style: chr3-121212496-C-T.
Other names: short protein forms R784H.
Identifiers: ClinVar variation 1790019 (VCV001790019.2), dbSNP rs745851016, ClinGen allele CA81839046.

ClinVar aggregate classification (germline): Uncertain significance (1 of 4 stars; one submission).

Allele frequency attached by ClinVar (database versions not stated): gnomAD 0.00001; gnomAD exomes 0.00001; TOPMed 0.00001.
gnomAD v4.1: 14 of 1,614,036 alleles (0.00087%); highest among the groups gnomAD compares: African/African-American, 0.0027%; no homozygotes.

Submission:

Ambry Genetics
Classification: Uncertain significance. Last evaluated: 2022-10-30. Review status: criteria provided, single submitter. Criteria: Ambry Variant Classification Scheme 2023. Collection method: clinical testing. Allele origin: germline.
Comment: The p.R784H variant (also known as c.2351G>A), located in coding exon 15 of the POLQ gene, results from a G to A substitution at nucleotide position 2351. The arginine at codon 784 is replaced by histidine, an amino acid with highly similar properties. This amino acid position is conserved. In addition, the in silico prediction for this alteration is inconclusive. Since supporting evidence is limited at this time, the clinical significance of this alteration remains unclear.